The following is an entry in ClinVar:

NM_002609.4(PDGFRB):c.3186C>A (p.Ser1062Arg)

Gene: PDGFRB (platelet derived growth factor receptor beta; minus strand). Cytogenetic location: 5q32.
Variant type: single nucleotide variant.
Coding change: c.3186C>A on transcript NM_002609.4 (MANE Select); coding-DNA position 3186, C replaced by A.
Protein change: p.Ser1062Arg; replaces serine 1062 with arginine.
Molecular consequence: missense variant.
Genome position (GRCh38, 1-based): chr5:150,115,898, G>T on the plus strand (C>A on the coding strand, the complement: PDGFRB is on the minus strand). VCF-style: chr5-150115898-G-T. GRCh37 (hg19) VCF-style: chr5-149495461-G-T.
Other names: c.2994C>A, p.Ser998Arg (NM_001355016.2); c.2703C>A, p.Ser901Arg (NM_001355017.2); short protein forms S998R, S1062R, S901R.
Identifiers: ClinVar variation 4788037 (VCV004788037.1).
Genomic context (GRCh38, chr5:150,115,898, plus strand): 5'-CGGCTCCACCTGGAGCTCAAGCTGGGGCTCTGGCTCTGGTTCGTCCTGGGGCTCCAGGGG[G>T]CTGTCACAGGAGATGGTTGAGGAGGTGTTGACTTCATTCAGGGTGGAGCTAGAGGAAAGA-3'
Protein context (NP_002600.1, residues 1052-1072): VNTSSTISCD[Ser1062Arg]PLEPQDEPEP

ClinVar aggregate classification (germline): Uncertain significance (1 of 4 stars; one submission).

Conditions:
Skeletal overgrowth-craniofacial dysmorphism-hyperelastic skin-white matter lesions syndrome. Also called: SKELETAL OVERGROWTH WITH FACIAL DYSMORPHISM, HYPERELASTIC SKIN, WHITE MATTER LESIONS, AND NEUROLOGIC DETERIORATION; Kosaki overgrowth syndrome. Identifiers: Orphanet 477831, MedGen C4225270, MONDO:0014704, OMIM 616592.
Acroosteolysis-keloid-like lesions-premature aging syndrome. Also called: Premature aging syndrome, Penttinen type; Prematurely aged appearance, delayed bone maturation, acro-osteolysis, and brachydactyly; Progeroid syndrome, Penttinen type. Identifiers: Orphanet 363665, MedGen C1866182, MONDO:0011150, OMIM 601812.
Infantile myofibromatosis (IMF). Also called: Congenital generalized fibromatosis. Identifiers: Orphanet 2591, MedGen C0432284, MONDO:0016824.
Basal ganglia calcification, idiopathic, 4 (PFBC4). Also called: Familial Idiopathic Basal Ganglia Calcification 4; PRIMARY FAMILIAL BRAIN CALCIFICATION 4, AUTOSOMAL DOMINANT. Identifiers: Orphanet 1980, MedGen C3554321, MONDO:0014004, OMIM 615007.

gnomAD v4.1: 3 of 1,603,546 alleles (0.00019%); highest among the groups gnomAD compares: South Asian, 0.0011%; no homozygotes.

Submission:

Labcorp Genetics (formerly Invitae), Labcorp
Classification: Uncertain significance for Basal ganglia calcification, idiopathic, 4; Skeletal overgrowth-craniofacial dysmorphism-hyperelastic skin-white matter lesions syndrome; Infantile myofibromatosis; Acroosteolysis-keloid-like lesions-premature aging syndrome. Last evaluated: 2025-09-04. Review status: criteria provided, single submitter. Criteria: Invitae Variant Classification Sherloc (09022015). Collection method: clinical testing. Allele origin: germline.
Comment: This sequence change replaces serine, which is neutral and polar, with arginine, which is basic and polar, at codon 1062 of the PDGFRB protein (p.Ser1062Arg). This variant is present in population databases (rs760292775, gnomAD 0.003%). This variant has not been reported in the literature in individuals affected with PDGFRB-related conditions. Invitae Evidence Modeling of protein sequence and biophysical properties (such as structural, functional, and spatial information, amino acid conservation, physicochemical variation, residue mobility, and thermodynamic stability) indicates that this missense variant is not expected to disrupt PDGFRB protein function with a negative predictive value of 95%. In summary, the available evidence is currently insufficient to determine the role of this variant in disease. Therefore, it has been classified as a Variant of Uncertain Significance.